The following is an entry in ClinVar:

ClinVar aggregate classification (germline): Likely benign. Review status: criteria provided, multiple submitters, no conflicts (2 of 4 stars). 6 submissions from 6 submitters: Likely benign (6). Last evaluated 2024-07-10.

Conditions:
Cardiovascular phenotype. Identifiers: MedGen CN230736.
Hypertrophic cardiomyopathy. Also called: HYPERTROPHIC MYOCARDIOPATHY. Identifiers: Orphanet 217569, MedGen C0007194, MeSH D002312, MONDO:0005045, HP:0001639.
Cardiomyopathy (CMYO). Also called: Cardiomyopathies. Identifiers: Orphanet 167848, MedGen C0878544, MONDO:0004994, HP:0001638. Inheritance: Various modes of inheritance.

gnomAD v4.1: 5 of 1,614,144 alleles (0.00031%); highest among the groups gnomAD compares: Admixed American, 0.0067%; no homozygotes.

Submissions (6):

All of Us Research Program, National Institutes of Health
Classification: Likely benign for Cardiomyopathy. Last evaluated: 2024-07-10. Review status: criteria provided, single submitter. Criteria: ACMG Guidelines, 2015. Collection method: clinical testing. Allele origin: germline. Inheritance: Autosomal dominant inheritance. Observed: 1 variant allele, 1 heterozygote.
Comment: This study involves interpretation of variants in research participants for the purpose of population health screening. Participant phenotype was not available at the time of variant classification. Additional details can be found in publication PMID: 35346344, PMCID: PMC8962531

Labcorp Genetics (formerly Invitae), Labcorp
Classification: Likely benign for Hypertrophic cardiomyopathy. Last evaluated: 2024-06-19. Review status: criteria provided, single submitter. Criteria: Invitae Variant Classification Sherloc (09022015). Collection method: clinical testing. Allele origin: germline.

Blueprint Genetics
Classification: Likely benign. Last evaluated: 2022-12-14. Review status: criteria provided, single submitter. Criteria: ACMG Guidelines, 2015. Collection method: clinical testing. Allele origin: germline.

Color Diagnostics, LLC DBA Color Health
Classification: Likely benign for Cardiomyopathy. Last evaluated: 2019-11-20. Review status: criteria provided, single submitter. Criteria: ACMG Guidelines, 2015. Collection method: clinical testing. Allele origin: germline.

Ambry Genetics
Classification: Likely benign for Cardiovascular phenotype. Last evaluated: 2019-05-08. Review status: criteria provided, single submitter. Criteria: Ambry Variant Classification Scheme 2023. Collection method: clinical testing. Allele origin: germline.

GeneDx
Classification: Likely benign. Last evaluated: 2017-10-09. Review status: criteria provided, single submitter. Criteria: GeneDx Variant Classification (06012015). Collection method: clinical testing. Allele origin: germline. Affected: yes.
Comment: This variant is considered likely benign or benign based on one or more of the following criteria: it is a conservative change, it occurs at a poorly conserved position in the protein, it is predicted to be benign by multiple in silico algorithms, and/or has population frequency not consistent with disease.

NM_000257.4(MYH7):c.675T>C (p.Pro225=)

Gene: MYH7 (myosin heavy chain 7; minus strand). Cytogenetic location: 14q11.2.
Variant type: single nucleotide variant.
Coding change: c.675T>C on transcript NM_000257.4 (MANE Select); coding-DNA position 675, T replaced by C.
Protein change: p.Pro225=; no amino-acid change (proline 225 retained).
Molecular consequence: synonymous variant.
Genome position (GRCh38, 1-based): chr14:23,431,642, A>G on the plus strand (T>C on the coding strand, the complement: MYH7 is on the minus strand). VCF-style: chr14-23431642-A-G. GRCh37 (hg19) VCF-style: chr14-23900851-A-G.
Other names: c.675T>C (LRG_384t1).
Identifiers: ClinVar variation 506614 (VCV000506614.15), dbSNP rs1219883935, ClinGen allele CA485767354.